The following is an entry in ClinVar:

NM_024408.4(NOTCH2):c.5252G>A (p.Gly1751Asp)

Gene: NOTCH2 (notch receptor 2; minus strand). Cytogenetic location: 1p12.
Variant type: single nucleotide variant.
Coding change: c.5252G>A on transcript NM_024408.4 (MANE Select); coding-DNA position 5252, G replaced by A.
Protein change: p.Gly1751Asp; replaces glycine 1751 with aspartic acid.
Molecular consequence: missense variant.
Genome position (GRCh38, 1-based): chr1:119,921,771, C>T on the plus strand (G>A on the coding strand, the complement: NOTCH2 is on the minus strand). VCF-style: chr1-119921771-C-T. GRCh37 (hg19) VCF-style: chr1-120464394-C-T.
Other names: c.5252G>A (NM_024408.3); short protein forms G1751D.
Identifiers: ClinVar variation 1980813 (VCV001980813.6), dbSNP rs923129064, ClinGen allele CA30316239.

ClinVar aggregate classification (germline): Conflicting classifications of pathogenicity. Review status: criteria provided, conflicting classifications (1 of 4 stars). 3 submissions from 3 submitters: Uncertain significance (2); Likely benign (1). Last evaluated 2025-09-10.

Conditions:
Hajdu-Cheney syndrome (HJCYS). Also called: ACROOSTEOLYSIS WITH OSTEOPOROSIS AND CHANGES IN SKULL AND MANDIBLE; SERPENTINE FIBULA-POLYCYSTIC KIDNEY SYNDROME; Acroosteolysis dominant type. Identifiers: Orphanet 955, MedGen C0917715, MONDO:0007057, OMIM 102500.
Inborn genetic diseases. Identifiers: MedGen C0950123, MeSH D030342.
Alagille syndrome due to a NOTCH2 point mutation. Also called: Alagille syndrome 2. Identifiers: Orphanet 261629, Orphanet 52, MedGen C1857761, MONDO:0012439, OMIM 610205.

Allele frequency attached by ClinVar (database versions not stated): gnomAD exomes 0.00001.
gnomAD v4.1: 19 of 1,614,004 alleles (0.0012%); highest among the groups gnomAD compares: African/African-American, 0.013%; no homozygotes.

Submissions (3):

Ambry Genetics
Classification: Likely benign for Inborn genetic diseases. Last evaluated: 2025-09-10. Review status: criteria provided, single submitter. Criteria: Ambry Variant Classification Scheme 2023. Collection method: clinical testing. Allele origin: germline.

Labcorp Genetics (formerly Invitae), Labcorp
Classification: Uncertain significance for Hajdu-Cheney syndrome. Last evaluated: 2025-03-14. Review status: criteria provided, single submitter. Criteria: Invitae Variant Classification Sherloc (09022015). Collection method: clinical testing. Allele origin: germline.
Comment: This sequence change replaces glycine, which is neutral and non-polar, with aspartic acid, which is acidic and polar, at codon 1751 of the NOTCH2 protein (p.Gly1751Asp). The frequency data for this variant in the population databases is considered unreliable, as metrics indicate poor data quality at this position in the gnomAD database. This variant has not been reported in the literature in individuals affected with NOTCH2-related conditions. ClinVar contains an entry for this variant (Variation ID: 1980813). Invitae Evidence Modeling of protein sequence and biophysical properties (such as structural, functional, and spatial information, amino acid conservation, physicochemical variation, residue mobility, and thermodynamic stability) indicates that this missense variant is not expected to disrupt NOTCH2 protein function with a negative predictive value of 95%. In summary, the available evidence is currently insufficient to determine the role of this variant in disease. Therefore, it has been classified as a Variant of Uncertain Significance.

Fulgent Genetics
Classification: Uncertain significance for Hajdu-Cheney syndrome; Alagille syndrome due to a NOTCH2 point mutation. Last evaluated: 2024-02-13. Review status: criteria provided, single submitter. Criteria: ACMG Guidelines, 2015. Collection method: clinical testing. Allele origin: germline.